The following is an entry in ClinVar:

ClinVar aggregate classification (germline): Uncertain significance (1 of 4 stars; one submission).

Conditions:
Familial thoracic aortic aneurysm and aortic dissection (TAAD). Also called: Thoracic aortic aneurysms and dissections. Identifiers: Orphanet 91387, MedGen C4707243, MONDO:0019625.

Submission:

Labcorp Genetics (formerly Invitae), Labcorp
Classification: Uncertain significance for Familial thoracic aortic aneurysm and aortic dissection. Last evaluated: 2022-04-04. Review status: criteria provided, single submitter. Criteria: Invitae Variant Classification Sherloc (09022015). Collection method: clinical testing. Allele origin: germline.
Comment: This sequence change replaces valine, which is neutral and non-polar, with phenylalanine, which is neutral and non-polar, at codon 244 of the SMAD3 protein (p.Val244Phe). This variant is not present in population databases (gnomAD no frequency). This variant has not been reported in the literature in individuals affected with SMAD3-related conditions. ClinVar contains an entry for this variant (Variation ID: 567995). Advanced modeling of protein sequence and biophysical properties (such as structural, functional, and spatial information, amino acid conservation, physicochemical variation, residue mobility, and thermodynamic stability) performed at Invitae indicates that this missense variant is expected to disrupt SMAD3 protein function. In summary, the available evidence is currently insufficient to determine the role of this variant in disease. Therefore, it has been classified as a Variant of Uncertain Significance.

NM_005902.4(SMAD3):c.730G>T (p.Val244Phe)

Gene: SMAD3 (SMAD family member 3; plus strand). Cytogenetic location: 15q22.33.
Variant type: single nucleotide variant.
Coding change: c.730G>T on transcript NM_005902.4 (MANE Select); coding-DNA position 730, G replaced by T.
Protein change: p.Val244Phe; replaces valine 244 with phenylalanine.
Molecular consequence: missense variant.
Genome position (GRCh38, 1-based): chr15:67,181,312, G>T. VCF-style: chr15-67181312-G-T. GRCh37 (hg19) VCF-style: chr15-67473650-G-T.
Other names: c.415G>T, p.Val139Phe (NM_001145102.2); c.598G>T, p.Val200Phe (NM_001145103.2); c.145G>T, p.Val49Phe (NM_001145104.2); short protein forms V244F, V139F, V200F, V49F.
Identifiers: ClinVar variation 567995 (VCV000567995.5), dbSNP rs773543026, ClinGen allele CA392956080.